The following is an entry in ClinVar:

NM_025207.5(FLAD1):c.535A>G (p.Ile179Val)

Gene: FLAD1 (flavin adenine dinucleotide synthetase 1; plus strand). Cytogenetic location: 1q21.3.
Variant type: single nucleotide variant.
Coding change: c.535A>G on transcript NM_025207.5 (MANE Select); coding-DNA position 535, A replaced by G.
Protein change: p.Ile179Val; replaces isoleucine 179 with valine.
Molecular consequence: missense variant.
Genome position (GRCh38, 1-based): chr1:154,988,267, A>G. VCF-style: chr1-154988267-A-G. GRCh37 (hg19) VCF-style: chr1-154960743-A-G.
Other names: c.244A>G, p.Ile82Val (NM_001184891.2, NM_201398.3); c.238A>G, p.Ile80Val (NM_001184892.2); short protein forms I179V, I80V, I82V.
Identifiers: ClinVar variation 4540316 (VCV004540316.1).

ClinVar aggregate classification (germline): Uncertain significance (1 of 4 stars; one submission).

gnomAD v4.1: 4 of 1,614,234 alleles (0.00025%); highest among the groups gnomAD compares: Non-Finnish European, 0.00034%; no homozygotes.

Submission:

GeneDx
Classification: Uncertain significance. Last evaluated: 2025-06-26. Review status: criteria provided, single submitter. Criteria: GeneDx Variant Classification Process June 2021. Collection method: clinical testing. Allele origin: germline. Affected: yes.
Comment: Not observed at significant frequency in large population cohorts (gnomAD); In silico analysis suggests that this missense variant does not alter protein structure/function; Has not been previously published as pathogenic or benign to our knowledge